The following is an entry in ClinVar:

NM_001009944.3(PKD1):c.2289_2299del (p.Cys767fs)

Gene: PKD1 (polycystin 1, transient receptor potential channel interacting; minus strand). Cytogenetic location: 16p13.3.
Variant type: Deletion.
Coding change: c.2289_2299del on transcript NM_001009944.3 (MANE Select); coding-DNA positions 2289 to 2299, 11 bases deleted (CTGCCCTGCCT).
Protein change: p.Cys767fs; shifts the reading frame from cysteine 767.
Molecular consequence: frameshift variant.
Genome position (GRCh38, 1-based): chr16:2,114,724-2,114,734, AGGCAGGGCAG deleted on the plus strand (CTGCCCTGCCT on the coding strand, the reverse complement: PKD1 is on the minus strand). VCF-style (leftmost placement, unchanged base first): chr16-2114723-CAGGCAGGGCAG-C. GRCh37 (hg19) VCF-style: chr16-2164724-CAGGCAGGGCAG-C.
Other names: c.2289_2299del, p.Cys767fs (NM_000296.4); short protein forms C767fs.
Identifiers: ClinVar variation 972848 (VCV000972848.4), dbSNP rs2092600667, ClinGen allele CA1139664360.

ClinVar aggregate classification (germline): Pathogenic/Likely pathogenic. Review status: criteria provided, multiple submitters, no conflicts (2 of 4 stars). 4 submissions from 4 submitters: Pathogenic (3); Likely pathogenic (1). Last evaluated 2024-10-08.

Conditions:
Autosomal dominant polycystic kidney disease. Identifiers: Orphanet 730, MedGen C0085413, MONDO:0004691.
Polycystic kidney disease, adult type (PKD1). Also called: Polycystic Kidney Disease 1, Autosomal Dominant; Polycystic kidney disease 1; Polycystic kidney disease 1, severe; Polycystic Kidney, Autosomal Dominant; POLYCYSTIC KIDNEY DISEASE 1 WITH OR WITHOUT POLYCYSTIC LIVER DISEASE; POLYCYSTIC KIDNEY DISEASE, ADULT, TYPE I. Identifiers: MedGen C3149841, MONDO:0008263, OMIM 173900.

Submissions (4):

Victorian Clinical Genetics Services, Murdoch Childrens Research Institute
Classification: Pathogenic for Polycystic kidney disease, adult type. Last evaluated: 2024-10-08. Review status: criteria provided, single submitter. Criteria: ACMG Guidelines, 2015. Collection method: clinical testing. Allele origin: germline. Inheritance: Autosomal dominant inheritance. Affected: yes.
Comment: Based on the classification scheme VCGS_Germline_v1.3.4, this variant is classified as Pathogenic. Following criteria are met: 0102 - Loss of function is a known mechanism of disease in this gene and is associated with polycystic kidney disease 1 (MIM#173900). (I) 0107 - This gene is associated with autosomal dominant disease. Polycystic kidney disease 1 (MIM#173900) is predominantly caused by monoallelic variants, with rare reports of biallelic variants causing disease (OMIM). (I) 0201 - Variant is predicted to cause nonsense-mediated decay (NMD) and loss of protein (premature termination codon is located at least 54 nucleotides upstream of the final exon-exon junction). (SP) 0251 - This variant is heterozygous. (I) 0301 - Variant is absent from gnomAD (both v2 and v3). (SP) 0701 - Other NMD-predicted variants comparable to the one identified in this case have very strong previous evidence for pathogenicity. There are many NMD-predicted variants in PKD1 with strong evidence for pathogenicity (DECIPHER). (SP) 0802 - This variant has moderate previous evidence of pathogenicity in unrelated individuals. This variant has been classified as likely pathogenic in ClinVar, and has been observed in multiple unrelated individuals in the literature with polycystic kidney disease (PMID: 21115670, 22508176). (SP) 1208 - Inheritance information for this variant is not currently available in this individual. (I) Legend: (SP) - Supporting pathogenic, (I) - Information, (SB) - Supporting benign

Molecular Genetics, Royal Melbourne Hospital
Classification: Pathogenic for Autosomal dominant polycystic kidney disease. Last evaluated: 2024-03-01. Review status: criteria provided, single submitter. Criteria: ACMG Guidelines, 2015. Collection method: clinical testing. Allele origin: germline. Inheritance: Autosomal dominant inheritance. Affected: yes.
Comment: This sequence change in PKD1 is a frameshift variant predicted to cause a premature stop codon, p.(Cys767Alafs*27), in biologically relevant exon 11/46 leading to nonsense-mediated decay in a gene in which loss-of-function is an established disease mechanism. This variant is absent from the population database gnomAD v4.0. This variant has been reported in at least two unrelated individuals with a clinical diagnosis of autosomal dominant polycystic kidney disease (PMID: 21115670, 33437033). Based on the classification scheme RMH Modified ACMG/AMP Guidelines v1.6.1, this variant is classified as PATHOGENIC. Following criteria are met: PVS1, PM2_Supporting, PS4_Moderate

Fulgent Genetics
Classification: Pathogenic for Polycystic kidney disease, adult type. Last evaluated: 2024-01-08. Review status: criteria provided, single submitter. Criteria: ACMG Guidelines, 2015. Collection method: clinical testing. Allele origin: germline.

Molecular Genetics of Inherited Kidney Disorders Laboratory, Garvan Institute of Medical Research
Classification: Likely pathogenic. Last evaluated: 2019-01-01. Review status: criteria provided, single submitter. Criteria: ACMG Guidelines, 2015. Collection method: clinical testing. Allele origin: germline. Affected: yes.

Literature cited by the submitters: PubMed 21115670 (cited by Victorian Clinical Genetics Services, Murdoch Childrens Research Institute and Molecular Genetics, Royal Melbourne Hospital); PubMed 22508176 (cited by Victorian Clinical Genetics Services, Murdoch Childrens Research Institute); PubMed 33437033 (cited by Molecular Genetics, Royal Melbourne Hospital).